The following is an entry in ClinVar:

NM_016120.4(RLIM):c.1870G>A (p.Val624Met)

Gene: RLIM (ring finger protein, LIM domain interacting; minus strand). Cytogenetic location: Xq13.2.
Variant type: single nucleotide variant.
Coding change: c.1870G>A on transcript NM_016120.4 (MANE Select); coding-DNA position 1870, G replaced by A.
Protein change: p.Val624Met; replaces valine 624 with methionine.
Molecular consequence: missense variant.
Genome position (GRCh38, 1-based): chrX:74,591,445, C>T on the plus strand (G>A on the coding strand, the complement: RLIM is on the minus strand). VCF-style: chrX-74591445-C-T. GRCh37 (hg19) VCF-style: chrX-73811280-C-T.
Other names: c.1870G>A, p.Val624Met (NM_183353.3); short protein forms V624M.
Identifiers: ClinVar variation 4888095 (VCV004888095.1).
Genomic context (GRCh38, chrX:74,591,445, plus strand): 5'-GATTCCTGTTTGCCCATCACTATATCAGCTACATAGCTGAGAGTTCAGATCTTAATTACA[C>T]AACACTTTCTCTGTTACCAGAAGCTAAGACTGCTCTGCGACAAATAGGACAGGTAGAATT-3'
Protein context (NP_057204.2, residues 614-624): VLASGNRESV[Val624Met]

ClinVar aggregate classification (germline): Uncertain significance (1 of 4 stars; one submission).

Submission:

GeneDx
Classification: Uncertain significance. Last evaluated: 2026-02-03. Review status: criteria provided, single submitter. Criteria: GeneDx Variant Classification Process June 2021. Collection method: clinical testing. Allele origin: germline.
Comment: Not observed at significant frequency in large population cohorts (gnomAD); In silico analysis suggests that this missense variant does not alter protein structure/function; Has not been previously published as pathogenic or benign to our knowledge